The following is an entry in ClinVar:

ClinVar aggregate classification (germline): Uncertain significance (1 of 4 stars; one submission).

Conditions:
Charcot-Marie-Tooth disease type 2. Also called: Charcot-Marie-Tooth type 2. Identifiers: Orphanet 64746, MedGen C0270914, MONDO:0018993.

Allele frequency attached by ClinVar (database versions not stated): gnomAD 0.00001; TOPMed 0.00001; gnomAD exomes 0.00002; ExAC 0.00002; ESP Exome Variant Server 0.00008.
gnomAD v4.1: 13 of 1,613,964 alleles (0.00081%); highest among the groups gnomAD compares: African/African-American, 0.0027%; no homozygotes.

Submission:

Labcorp Genetics (formerly Invitae), Labcorp
Classification: Uncertain significance for Charcot-Marie-Tooth disease type 2. Last evaluated: 2023-12-19. Review status: criteria provided, single submitter. Criteria: Invitae Variant Classification Sherloc (09022015). Collection method: clinical testing. Allele origin: germline.
Comment: This sequence change replaces arginine, which is basic and polar, with glutamine, which is neutral and polar, at codon 390 of the BSCL2 protein (p.Arg390Gln). This variant is present in population databases (rs143017094, gnomAD 0.01%). This variant has not been reported in the literature in individuals affected with BSCL2-related conditions. ClinVar contains an entry for this variant (Variation ID: 1442800). An algorithm developed to predict the effect of missense changes on protein structure and function (PolyPhen-2) suggests that this variant is likely to be tolerated. In summary, the available evidence is currently insufficient to determine the role of this variant in disease. Therefore, it has been classified as a Variant of Uncertain Significance.

NM_001122955.4(BSCL2):c.1361G>A (p.Arg454Gln)

Genes: BSCL2 (BSCL2 lipid droplet biogenesis associated, seipin; minus strand), HNRNPUL2-BSCL2 (HNRNPUL2-BSCL2 readthrough (NMD candidate); minus strand). Cytogenetic location: 11q12.3.
Variant type: single nucleotide variant.
Coding change: c.1361G>A on transcript NM_001122955.4 (MANE Select); coding-DNA position 1361, G replaced by A.
Protein change: p.Arg454Gln; replaces arginine 454 with glutamine.
Molecular consequence: missense variant. On other transcripts: non-coding transcript variant (1), 3 prime UTR variant (1).
Genome position (GRCh38, 1-based): chr11:62,690,395, C>T on the plus strand (G>A on the coding strand, the complement: BSCL2 is on the minus strand). VCF-style: chr11-62690395-C-T. GRCh37 (hg19) VCF-style: chr11-62457867-C-T.
Other names: c.*163G>A (NM_001130702.2); c.1367G>A, p.Arg456Gln (NM_001386027.1); c.1361G>A, p.Arg454Gln (NM_001386028.1); c.1169G>A, p.Arg390Gln (NM_032667.6); short protein forms R456Q, R454Q, R390Q.
Identifiers: ClinVar variation 1442800 (VCV001442800.8), dbSNP rs143017094, ClinGen allele CA6053242.